The following is an entry in ClinVar:

ClinVar aggregate classification (germline): Uncertain significance. Review status: criteria provided, multiple submitters, no conflicts (2 of 4 stars). 2 submissions from 2 submitters: Uncertain significance (2). Last evaluated 2023-07-07.

Allele frequency attached by ClinVar (database versions not stated): gnomAD exomes below 0.00001; gnomAD 0.00001; TOPMed 0.00001.
gnomAD v4.1: 4 of 1,613,152 alleles (0.00025%); highest among the groups gnomAD compares: African/African-American, 0.0013%; 1 homozygote.

Submissions (2):

Labcorp Genetics (formerly Invitae), Labcorp
Classification: Uncertain significance. Last evaluated: 2023-07-07. Review status: criteria provided, single submitter. Criteria: Invitae Variant Classification Sherloc (09022015). Collection method: clinical testing. Allele origin: germline.
Comment: This sequence change replaces cysteine, which is neutral and slightly polar, with arginine, which is basic and polar, at codon 442 of the ZNF408 protein (p.Cys442Arg). This variant is present in population databases (rs769357381, gnomAD 0.0009%). This variant has not been reported in the literature in individuals affected with ZNF408-related conditions. An algorithm developed to predict the effect of missense changes on protein structure and function (PolyPhen-2) suggests that this variant is likely to be disruptive. In summary, the available evidence is currently insufficient to determine the role of this variant in disease. Therefore, it has been classified as a Variant of Uncertain Significance.

Blueprint Genetics
Classification: Uncertain significance. Last evaluated: 2020-03-04. Review status: criteria provided, single submitter. Criteria: ACMG Guidelines, 2015. Collection method: clinical testing. Allele origin: germline.

NM_024741.3(ZNF408):c.1324T>C (p.Cys442Arg)

Gene: ZNF408 (zinc finger protein 408; plus strand). Cytogenetic location: 11p11.2.
Variant type: single nucleotide variant.
Coding change: c.1324T>C on transcript NM_024741.3 (MANE Select); coding-DNA position 1324, T replaced by C.
Protein change: p.Cys442Arg; replaces cysteine 442 with arginine.
Molecular consequence: missense variant.
Genome position (GRCh38, 1-based): chr11:46,705,024, T>C. VCF-style: chr11-46705024-T-C. GRCh37 (hg19) VCF-style: chr11-46726574-T-C.
Other names: c.1300T>C, p.Cys434Arg (NM_001184751.2); short protein forms C434R, C442R.
Identifiers: ClinVar variation 2840088 (VCV002840088.4), dbSNP rs769357381, ClinGen allele CA221633609.